The following is an entry in ClinVar:

NM_000062.3(SERPING1):c.576_583dup (p.Ser195fs)

Gene: SERPING1 (serpin family G member 1; plus strand). Cytogenetic location: 11q12.1.
Variant type: Duplication.
Coding change: c.576_583dup on transcript NM_000062.3 (MANE Select); coding-DNA positions 576 to 583, 8 bases duplicated (CCTGGAGA; older notation c.576_583dupCCTGGAGA).
Protein change: p.Ser195fs; shifts the reading frame from serine 195.
Molecular consequence: frameshift variant.
Genome position (GRCh38, 1-based): chr11:57,602,060-57,602,067, CCTGGAGA duplicated; duplicating any 8 consecutive bases within chr11:57,602,059-57,602,067 gives the same sequence; the c. name uses the placement nearest the transcript's 3' end. VCF-style (leftmost placement, unchanged base first): chr11-57602058-A-AACCTGGAG. GRCh37 (hg19) VCF-style: chr11-57369531-A-AACCTGGAG.
Other names: c.576_583dup, p.Ser195fs (NM_001032295.2); short protein forms S195fs.
Identifiers: ClinVar variation 979215 (VCV000979215.3), dbSNP rs1945353409, ClinGen allele CA1139661962.
Genomic context (GRCh38, chr11:57,602,058, plus strand): 5'-TCCTGCAAGTATCTTTCATCTCTGCCCTTTGTTGCAGGGGCTGGGGAGAACACCAAAACA[A>AACCTGGAG]ACCTGGAGAGCATCCTCTCTTACCCCAAGGACTTCACCTGTGTCCACCAGGCCCTGAAGG-3'

ClinVar aggregate classification (germline): Pathogenic (1 of 4 stars; one submission).

Conditions:
Hereditary angioedema type 1 (HAE1). Identifiers: Orphanet 100050, Orphanet 100051, Orphanet 91378, MedGen C2717906, MONDO:0015053, OMIM 106100.

Submission:

Division of Rheumatology, Allergy and Immunology, UCSD
Classification: Pathogenic for Hereditary angioedema type 1. Last evaluated: 2020-08-25. Review status: criteria provided, single submitter. Criteria: ACMG Guidelines, 2015. Collection method: research. Allele origin: somatic. Affected: yes. Observed: 1 variant allele.
Comment: Predicted loss-of-function (LOF) associated with low C1-INH plasma levels in patients with hereditary angioedema symptoms.